The following is an entry in ClinVar:

NM_145038.5(DRC1):c.1897G>T (p.Val633Phe)

Gene: DRC1 (dynein regulatory complex subunit 1; plus strand). Cytogenetic location: 2p23.3.
Variant type: single nucleotide variant.
Coding change: c.1897G>T on transcript NM_145038.5 (MANE Select); coding-DNA position 1897, G replaced by T.
Protein change: p.Val633Phe; replaces valine 633 with phenylalanine.
Molecular consequence: missense variant.
Genome position (GRCh38, 1-based): chr2:26,453,527, G>T. VCF-style: chr2-26453527-G-T. GRCh37 (hg19) VCF-style: chr2-26676395-G-T.
Other names: short protein forms V633F.
Identifiers: ClinVar variation 402798 (VCV000402798.17), dbSNP rs12623642, ClinGen allele CA1562426.

ClinVar aggregate classification (germline): Benign/Likely benign. Review status: criteria provided, multiple submitters, no conflicts (2 of 4 stars). 6 submissions from 6 submitters: Benign (5); Likely benign (1). Last evaluated 2026-02-03.

Conditions:
Primary ciliary dyskinesia. Also called: Ciliary dyskinesia. Identifiers: Orphanet 244, MedGen C0008780, MONDO:0016575, HP:0012265.

Allele frequency attached by ClinVar (database versions not stated): ESP Exome Variant Server 0.05590; gnomAD 0.08537; TOPMed 0.11359; gnomAD exomes 0.14526; 1000 Genomes Project 30x 0.18816; 1000 Genomes Project 0.19389.
gnomAD v4.1: 148,132 of 1,613,792 alleles (9.2%); highest among the groups gnomAD compares: East Asian, 61%; 15,805 homozygotes.

Submissions (6):

Labcorp Genetics (formerly Invitae), Labcorp
Classification: Benign for Primary ciliary dyskinesia. Last evaluated: 2026-02-03. Review status: criteria provided, single submitter. Criteria: Invitae Variant Classification Sherloc (09022015). Collection method: clinical testing. Allele origin: germline.

Blueprint Genetics
Classification: Likely benign. Last evaluated: 2024-11-26. Review status: criteria provided, single submitter. Criteria: ACMG Guidelines, 2015. Collection method: clinical testing. Allele origin: germline.

Mayo Clinic Laboratories, Mayo Clinic
Classification: Benign. Last evaluated: 2022-04-26. Review status: criteria provided, single submitter. Criteria: ACMG Guidelines, 2015. Collection method: clinical testing. Allele origin: germline. Observed: 44 variant alleles.

GeneDx
Classification: Benign. Last evaluated: 2018-07-09. Review status: criteria provided, single submitter. Criteria: GeneDx Variant Classification Process June 2021. Collection method: clinical testing. Allele origin: germline. Affected: yes.

Laboratory for Molecular Medicine, Mass General Brigham Personalized Medicine
Classification: Benign. Last evaluated: 2016-03-29. Review status: criteria provided, single submitter. Criteria: LMM Criteria. Collection method: clinical testing. Allele origin: germline.
Comment: Variant identified in a genome or exome case(s) and assessed due to predicted null impact of the variant or pathogenic assertions in the literature or databases. Disclaimer: This variant has not undergone full assessment. The following are preliminary notes: Frequency

Breakthrough Genomics
Classification: Benign. Review status: criteria provided, single submitter. Criteria: ACMG Guidelines, 2015. Collection method: not provided. Allele origin: germline. Inheritance: Autosomal recessive inheritance. Affected: yes.